The following is an entry in ClinVar:

ClinVar aggregate classification (germline): Uncertain significance (1 of 4 stars; one submission).

Conditions:
ABCC8-related disorder.

Submission:

PreventionGenetics, part of Exact Sciences
Classification: Uncertain significance for ABCC8-related condition. Last evaluated: 2026-06-06. Review status: criteria provided, single submitter. Criteria: ACMG Guidelines, 2015. Collection method: clinical testing. Allele origin: germline.
Comment: The ABCC8 c.4481C>T variant is predicted to result in the amino acid substitution p.Ala1494Val. To our knowledge, this variant has not been reported in the literature or in a large population database (gnomad), indicating this variant is rare. At this time, the clinical significance of the c.4481C>T, p.Ala1494Val variant is uncertain due to the absence of conclusive functional and genetic evidence.

NM_000352.6(ABCC8):c.4481C>T (p.Ala1494Val)

Gene: ABCC8 (ATP binding cassette subfamily C member 8; minus strand). Cytogenetic location: 11p15.1.
Variant type: single nucleotide variant.
Coding change: c.4481C>T on transcript NM_000352.6 (MANE Select); coding-DNA position 4481, C replaced by T.
Protein change: p.Ala1494Val; replaces alanine 1494 with valine.
Molecular consequence: missense variant. On other transcripts: non-coding transcript variant (1).
Genome position (GRCh38, 1-based): chr11:17,394,330, G>A on the plus strand (C>T on the coding strand, the complement: ABCC8 is on the minus strand). VCF-style: chr11-17394330-G-A. GRCh37 (hg19) VCF-style: chr11-17415877-G-A.
Other names: c.4484C>T, p.Ala1495Val (NM_001287174.3); c.4547C>T, p.Ala1516Val (NM_001351295.2); c.4481C>T, p.Ala1494Val (NM_001351296.2); c.4478C>T, p.Ala1493Val (NM_001351297.2); short protein forms A1494V, A1493V, A1495V, A1516V.
Identifiers: ClinVar variation 4986400 (VCV004986400.1).
Genomic context (GRCh38, chr11:17,394,330, plus strand): 5'-GCCATGTCAATGGAAGCCGTGGCCTCGTCCATGATGAAGATGCTGGTCTTCCTCACGAAG[G>A]CCCGGGCCAGGCAGAACAGCTGCCTCTGTCCCTGGCTGAAATTCTCCCCGCCTTCTGTGA-3'
Protein context (NP_000343.2, residues 1484-1504): GQRQLFCLAR[Ala1494Val]FVRKTSIFIM